The following is an entry in ClinVar:

NM_001492.6(GDF1):c.517G>A (p.Gly173Ser)

Genes: CERS1 (ceramide synthase 1; minus strand), GDF1 (growth differentiation factor 1; minus strand). Cytogenetic location: 19p13.11.
Variant type: single nucleotide variant.
Coding change: c.517G>A on transcript NM_001492.6 (MANE Select); coding-DNA position 517, G replaced by A.
Protein change: p.Gly173Ser; replaces glycine 173 with serine.
Molecular consequence: missense variant. On other transcripts: 3 prime UTR variant (2).
Genome position (GRCh38, 1-based): chr19:18,869,199, C>T on the plus strand (G>A on the coding strand, the complement: GDF1 is on the minus strand). VCF-style: chr19-18869199-C-T. GRCh37 (hg19) VCF-style: chr19-18980008-C-T.
Other names: c.*1378G>A (NM_001387440.1); c.*786G>A (NM_021267.5); c.517G>A, p.Gly173Ser (NM_001387438.1); c.517G>A (NM_001492.4); short protein forms G173S.
Identifiers: ClinVar variation 2104069 (VCV002104069.5), dbSNP rs1236202209, ClinGen allele CA404863092.

ClinVar aggregate classification (germline): Uncertain significance. Review status: criteria provided, multiple submitters, no conflicts (2 of 4 stars). 2 submissions from 2 submitters: Uncertain significance (2). Last evaluated 2025-08-12.

Allele frequency attached by ClinVar (database versions not stated): TOPMed 0.00001; gnomAD 0.00003.
gnomAD v4.1: 44 of 1,254,408 alleles (0.0035%); highest among the groups gnomAD compares: Non-Finnish European, 0.0043%; no homozygotes.

Submissions (2):

Ambry Genetics
Classification: Uncertain significance. Last evaluated: 2025-08-12. Review status: criteria provided, single submitter. Criteria: Ambry Variant Classification Scheme 2023. Collection method: clinical testing. Allele origin: germline.

Labcorp Genetics (formerly Invitae), Labcorp
Classification: Uncertain significance. Last evaluated: 2025-05-19. Review status: criteria provided, single submitter. Criteria: Invitae Variant Classification Sherloc (09022015). Collection method: clinical testing. Allele origin: germline.
Comment: This sequence change replaces glycine, which is neutral and non-polar, with serine, which is neutral and polar, at codon 173 of the GDF1 protein (p.Gly173Ser). This variant is present in population databases (no rsID available, gnomAD 0.03%). This variant has not been reported in the literature in individuals affected with GDF1-related conditions. ClinVar contains an entry for this variant (Variation ID: 2104069). Invitae Evidence Modeling of protein sequence and biophysical properties (such as structural, functional, and spatial information, amino acid conservation, physicochemical variation, residue mobility, and thermodynamic stability) indicates that this missense variant is not expected to disrupt GDF1 protein function with a negative predictive value of 80%. In summary, the available evidence is currently insufficient to determine the role of this variant in disease. Therefore, it has been classified as a Variant of Uncertain Significance.